The following is an entry in ClinVar:

ClinVar aggregate classification (germline): Conflicting classifications of pathogenicity. Review status: criteria provided, conflicting classifications (1 of 4 stars). 2 submissions from 2 submitters: Uncertain significance (1); Likely benign (1). Last evaluated 2025-08-18.

Conditions:
Hereditary cancer-predisposing syndrome. Also called: Hereditary Cancer Syndrome; Neoplastic Syndromes, Hereditary; Hereditary neoplastic syndrome; Tumor predisposition. Identifiers: Orphanet 140162, MedGen C0027672, MeSH D009386, MONDO:0015356.

Allele frequency attached by ClinVar (database versions not stated): gnomAD exomes below 0.00001.
gnomAD v4.1: 2 of 1,613,440 alleles (0.00012%); highest among the groups gnomAD compares: Non-Finnish European, 0.00017%; no homozygotes.

Submissions (2):

Labcorp Genetics (formerly Invitae), Labcorp
Classification: Likely benign. Last evaluated: 2025-08-18. Review status: criteria provided, single submitter. Criteria: Invitae Variant Classification Sherloc (09022015). Collection method: clinical testing. Allele origin: germline.

Ambry Genetics
Classification: Uncertain significance for Hereditary cancer-predisposing syndrome. Last evaluated: 2025-01-15. Review status: criteria provided, single submitter. Criteria: Ambry Variant Classification Scheme 2023. Collection method: clinical testing. Allele origin: germline.
Comment: The c.796-5C>T intronic variant results from a C to T substitution 5 nucleotides upstream from coding exon 7 in the SMARCB1 gene. This nucleotide position is not well conserved in available vertebrate species. In silico splice site analysis predicts that this alteration will not have any significant effect on splicing. Based on the available evidence, the clinical significance of this variant remains unclear.

NM_003073.5(SMARCB1):c.796-5C>T

Gene: SMARCB1 (SWI/SNF related BAF chromatin remodeling complex subunit B1; plus strand). Cytogenetic location: 22q11.23.
Variant type: single nucleotide variant.
Coding change: c.796-5C>T on transcript NM_003073.5 (MANE Select); 5 bases into the intron before coding-DNA position 796, C replaced by T.
Molecular consequence: intron variant.
Genome position (GRCh38, 1-based): chr22:23,825,220, C>T. VCF-style: chr22-23825220-C-T. GRCh37 (hg19) VCF-style: chr22-24167407-C-T.
Other names: c.796-5C>T (NM_003073.3); c.850-5C>T (NM_001362877.2); c.823-5C>T (NM_001317946.2); c.769-5C>T (NM_001007468.3).
Identifiers: ClinVar variation 1142719 (VCV001142719.10), dbSNP rs2146026596, ClinGen allele CA2499226035.